The following is an entry in ClinVar:

ClinVar aggregate classification (germline): Uncertain significance (1 of 4 stars; one submission).

Conditions:
Early-infantile DEE. Also called: Ohtahara syndrome; Early infantile epileptic encephalopathy with suppression bursts; Early infantile epileptic encephalopathy. Identifiers: Orphanet 1934, MedGen C0393706, MONDO:0800491.

Submission:

Labcorp Genetics (formerly Invitae), Labcorp
Classification: Uncertain significance for Early-infantile DEE. Last evaluated: 2023-03-27. Review status: criteria provided, single submitter. Criteria: Invitae Variant Classification Sherloc (09022015). Collection method: clinical testing. Allele origin: germline.
Comment: This variant has not been reported in the literature in individuals affected with KCNQ2-related conditions. In summary, the available evidence is currently insufficient to determine the role of this variant in disease. Therefore, it has been classified as a Variant of Uncertain Significance. Advanced modeling of protein sequence and biophysical properties (such as structural, functional, and spatial information, amino acid conservation, physicochemical variation, residue mobility, and thermodynamic stability) performed at Invitae indicates that this missense variant is expected to disrupt KCNQ2 protein function. This variant is not present in population databases (gnomAD no frequency). This sequence change replaces arginine, which is basic and polar, with proline, which is neutral and non-polar, at codon 89 of the KCNQ2 protein (p.Arg89Pro).

NM_172107.4(KCNQ2):c.266G>C (p.Arg89Pro)

Gene: KCNQ2 (potassium voltage-gated channel subfamily Q member 2; minus strand). Cytogenetic location: 20q13.33.
Variant type: single nucleotide variant.
Coding change: c.266G>C on transcript NM_172107.4 (MANE Select); coding-DNA position 266, G replaced by C.
Protein change: p.Arg89Pro; replaces arginine 89 with proline.
Molecular consequence: missense variant.
Genome position (GRCh38, 1-based): chr20:63,472,198, C>G on the plus strand (G>C on the coding strand, the complement: KCNQ2 is on the minus strand). VCF-style: chr20-63472198-C-G. GRCh37 (hg19) VCF-style: chr20-62103551-C-G.
Other names: c.266G>C, p.Arg89Pro (NM_001382235.1, NM_004518.6, NM_172106.3 and 2 more transcripts); short protein forms R89P.
Identifiers: ClinVar variation 2850318 (VCV002850318.3), dbSNP rs2516743033, ClinGen allele CA409635036.